The following is an entry in ClinVar:

ClinVar aggregate classification (germline): Likely benign (1 of 4 stars; one submission).

Submission:

CeGaT Center for Human Genetics Tuebingen
Classification: Likely benign. Last evaluated: 2022-09-01. Review status: criteria provided, single submitter. Criteria: CeGaT Center For Human Genetics Tuebingen Variant Classification Criteria Version 2. Collection method: clinical testing. Allele origin: germline. Affected: yes. Observed: 1 variant allele.
Comment: EP300: PM2:Supporting, BP4, BP7

NM_001429.4(EP300):c.7149A>G (p.Ala2383=)

Gene: EP300 (EP300 lysine acetyltransferase; plus strand). Cytogenetic location: 22q13.2.
Variant type: single nucleotide variant.
Coding change: c.7149A>G on transcript NM_001429.4 (MANE Select); coding-DNA position 7149, A replaced by G.
Protein change: p.Ala2383=; no amino-acid change (alanine 2383 retained).
Molecular consequence: synonymous variant.
Genome position (GRCh38, 1-based): chr22:41,178,860, A>G. VCF-style: chr22-41178860-A-G. GRCh37 (hg19) VCF-style: chr22-41574864-A-G.
Other names: c.7071A>G, p.Ala2357= (NM_001362843.2).
Identifiers: ClinVar variation 2653218 (VCV002653218.24), dbSNP rs2145524355, ClinGen allele CA514795109.